The following is an entry in ClinVar:

NM_030962.4(SBF2):c.1902A>T (p.Leu634Phe)

Genes: SBF2 (SET binding factor 2; minus strand), LOC101928008 (uncharacterized LOC101928008; plus strand). Cytogenetic location: 11p15.4.
Variant type: single nucleotide variant.
Coding change: c.1902A>T on transcript NM_030962.4 (MANE Select); coding-DNA position 1902, A replaced by T.
Protein change: p.Leu634Phe; replaces leucine 634 with phenylalanine.
Molecular consequence: missense variant.
Genome position (GRCh38, 1-based): chr11:9,895,970, T>A on the plus strand (A>T on the coding strand, the complement: SBF2 is on the minus strand). VCF-style: chr11-9895970-T-A. GRCh37 (hg19) VCF-style: chr11-9917517-T-A.
Other names: c.1902A>T, p.Leu634Phe (NM_001386339.1); c.1773A>T, p.Leu591Phe (NM_001386342.1); short protein forms L634F, L591F.
Identifiers: ClinVar variation 1390434 (VCV001390434.6), dbSNP rs1861220165, ClinGen allele CA379646313.

ClinVar aggregate classification (germline): Uncertain significance (1 of 4 stars; one submission).

Conditions:
Charcot-Marie-Tooth disease type 4. Also called: Charcot-Marie-Tooth disease, type IV; Charcot-Marie-Tooth, Type 4. Identifiers: Orphanet 64749, MedGen C4082197, MONDO:0018995.

Allele frequency attached by ClinVar (database versions not stated): TOPMed below 0.00001; gnomAD 0.00001.
gnomAD v4.1: 1 of 1,613,044 alleles (0.000062%); highest among the groups gnomAD compares: Non-Finnish European, 0.000085%; no homozygotes.

Submission:

Labcorp Genetics (formerly Invitae), Labcorp
Classification: Uncertain significance for Charcot-Marie-Tooth disease type 4. Last evaluated: 2022-10-25. Review status: criteria provided, single submitter. Criteria: Invitae Variant Classification Sherloc (09022015). Collection method: clinical testing. Allele origin: germline.
Comment: This sequence change replaces leucine, which is neutral and non-polar, with phenylalanine, which is neutral and non-polar, at codon 634 of the SBF2 protein (p.Leu634Phe). This variant is not present in population databases (gnomAD no frequency). This variant has not been reported in the literature in individuals affected with SBF2-related conditions. ClinVar contains an entry for this variant (Variation ID: 1390434). Advanced modeling of protein sequence and biophysical properties (such as structural, functional, and spatial information, amino acid conservation, physicochemical variation, residue mobility, and thermodynamic stability) performed at Invitae indicates that this missense variant is not expected to disrupt SBF2 protein function. In summary, the available evidence is currently insufficient to determine the role of this variant in disease. Therefore, it has been classified as a Variant of Uncertain Significance.